The following is an entry in ClinVar:

ClinVar aggregate classification (germline): Uncertain significance. Review status: criteria provided, multiple submitters, no conflicts (2 of 4 stars). 2 submissions from 2 submitters: Uncertain significance (2). Last evaluated 2025-07-02.

Conditions:
Hereditary cancer-predisposing syndrome. Also called: Neoplastic Syndromes, Hereditary; Tumor predisposition; Hereditary Cancer Syndrome; Hereditary neoplastic syndrome. Identifiers: Orphanet 140162, MedGen C0027672, MeSH D009386, MONDO:0015356.

Allele frequency attached by ClinVar (database versions not stated): ExAC 0.00001; gnomAD 0.00001; TOPMed 0.00001.
gnomAD v4.1: 2 of 1,613,948 alleles (0.00012%); highest among the groups gnomAD compares: Non-Finnish European, 0.00017%; no homozygotes.

Submissions (2):

Labcorp Genetics (formerly Invitae), Labcorp
Classification: Uncertain significance. Last evaluated: 2025-07-02. Review status: criteria provided, single submitter. Criteria: Invitae Variant Classification Sherloc (09022015). Collection method: clinical testing. Allele origin: germline.
Comment: This sequence change replaces glutamic acid, which is acidic and polar, with aspartic acid, which is acidic and polar, at codon 741 of the POLE protein (p.Glu741Asp). This variant is present in population databases (rs750872591, gnomAD 0.0009%). This variant has not been reported in the literature in individuals affected with POLE-related conditions. ClinVar contains an entry for this variant (Variation ID: 473516). Invitae Evidence Modeling of protein sequence and biophysical properties (such as structural, functional, and spatial information, amino acid conservation, physicochemical variation, residue mobility, and thermodynamic stability) indicates that this missense variant is not expected to disrupt POLE protein function with a negative predictive value of 80%. In summary, the available evidence is currently insufficient to determine the role of this variant in disease. Therefore, it has been classified as a Variant of Uncertain Significance.

Ambry Genetics
Classification: Uncertain significance for Hereditary cancer-predisposing syndrome. Last evaluated: 2024-07-14. Review status: criteria provided, single submitter. Criteria: Ambry Variant Classification Scheme 2023. Collection method: clinical testing. Allele origin: germline.
Comment: The p.E741D variant (also known as c.2223G>C), located in coding exon 20 of the POLE gene, results from a G to C substitution at nucleotide position 2223. The glutamic acid at codon 741 is replaced by aspartic acid, an amino acid with highly similar properties. This amino acid position is conserved. In addition, this alteration is predicted to be tolerated by in silico analysis. Since supporting evidence is limited at this time, the clinical significance of this alteration remains unclear.

NM_006231.4(POLE):c.2223G>C (p.Glu741Asp)

Gene: POLE (DNA polymerase epsilon, catalytic subunit; minus strand). Cytogenetic location: 12q24.33.
Variant type: single nucleotide variant.
Coding change: c.2223G>C on transcript NM_006231.4 (MANE Select); coding-DNA position 2223, G replaced by C.
Protein change: p.Glu741Asp; replaces glutamic acid 741 with aspartic acid.
Molecular consequence: missense variant.
Genome position (GRCh38, 1-based): chr12:132,667,599, C>G on the plus strand (G>C on the coding strand, the complement: POLE is on the minus strand). VCF-style: chr12-132667599-C-G. GRCh37 (hg19) VCF-style: chr12-133244185-C-G.
Other names: short protein forms E741D.
Identifiers: ClinVar variation 473516 (VCV000473516.15), dbSNP rs750872591, ClinGen allele CA6893624.